The following is an entry in ClinVar:

NM_006231.4(POLE):c.664C>G (p.Arg222Gly)

Gene: POLE (DNA polymerase epsilon, catalytic subunit; minus strand). Cytogenetic location: 12q24.33.
Variant type: single nucleotide variant.
Coding change: c.664C>G on transcript NM_006231.4 (MANE Select); coding-DNA position 664, C replaced by G.
Protein change: p.Arg222Gly; replaces arginine 222 with glycine.
Molecular consequence: missense variant.
Genome position (GRCh38, 1-based): chr12:132,677,634, G>C on the plus strand (C>G on the coding strand, the complement: POLE is on the minus strand). VCF-style: chr12-132677634-G-C. GRCh37 (hg19) VCF-style: chr12-133254220-G-C.
Other names: short protein forms R222G.
Identifiers: ClinVar variation 421556 (VCV000421556.13), dbSNP rs767503360, ClinGen allele CA16619483.

ClinVar aggregate classification (germline): Uncertain significance. Review status: criteria provided, multiple submitters, no conflicts (2 of 4 stars). 3 submissions from 3 submitters: Uncertain significance (3). Last evaluated 2021-10-13.

Conditions:
Hereditary cancer-predisposing syndrome. Also called: Hereditary neoplastic syndrome; Neoplastic Syndromes, Hereditary; Tumor predisposition; Hereditary Cancer Syndrome. Identifiers: Orphanet 140162, MedGen C0027672, MeSH D009386, MONDO:0015356.

Submissions (3):

Ambry Genetics
Classification: Uncertain significance for Hereditary cancer-predisposing syndrome. Last evaluated: 2021-10-13. Review status: criteria provided, single submitter. Criteria: Ambry Variant Classification Scheme 2023. Collection method: clinical testing. Allele origin: germline.
Comment: The p.R222G variant (also known as c.664C>G), located in coding exon 7 of the POLE gene, results from a C to G substitution at nucleotide position 664. The arginine at codon 222 is replaced by glycine, an amino acid with dissimilar properties. This amino acid position is conserved. In addition, the in silico prediction for this alteration is inconclusive. Since supporting evidence is limited at this time, the clinical significance of this alteration remains unclear.

Labcorp Genetics (formerly Invitae), Labcorp
Classification: Uncertain significance. Last evaluated: 2020-10-21. Review status: criteria provided, single submitter. Criteria: Invitae Variant Classification Sherloc (09022015). Collection method: clinical testing. Allele origin: germline.
Comment: In summary, the available evidence is currently insufficient to determine the role of this variant in disease. Therefore, it has been classified as a Variant of Uncertain Significance. Algorithms developed to predict the effect of missense changes on protein structure and function (SIFT, PolyPhen-2, Align-GVGD) all suggest that this variant is likely to be disruptive, but these predictions have not been confirmed by published functional studies and their clinical significance is uncertain. This variant has not been reported in the literature in individuals with POLE-related conditions. ClinVar contains an entry for this variant (Variation ID: 421556). This variant is not present in population databases (ExAC no frequency). This sequence change replaces arginine with glycine at codon 222 of the POLE protein (p.Arg222Gly). The arginine residue is highly conserved and there is a moderate physicochemical difference between arginine and glycine.

GeneDx
Classification: Uncertain significance. Last evaluated: 2016-06-27. Review status: criteria provided, single submitter. Criteria: GeneDx Variant Classification (06012015). Collection method: clinical testing. Allele origin: germline. Affected: yes.
Comment: This variant is denoted POLE c.664C>G at the cDNA level, p.Arg222Gly (R222G) at the protein level, and results in the change of an Arginine to a Glycine (CGC>GGC). This variant has not, to our knowledge, been published in the literature as pathogenic or benign. POLE Arg222Gly was not observed in approximately 6,500 individuals of European and African American ancestry in the NHLBI Exome Sequencing Project, suggesting it is not a common benign variant in these populations. Since Arginine and Glycine differ in polarity, charge, size or other properties, this is considered a non-conservative amino acid substitution. POLE Arg222Gly occurs at a position that is conserved across species and is not located in a known functional domain (Tahirov 2009, Preston 2010). In silico analyses predict that this variant is probably damaging to protein structure and function. Based on currently available evidence, it is unclear whether POLE Arg222Gly is a pathogenic or benign variant. We consider it to be a variant of uncertain significance.